The following is an entry in ClinVar:

NM_001365999.1(SZT2):c.9952G>A (p.Asp3318Asn)

Genes: SZT2 (SZT2 subunit of KICSTOR complex; plus strand), SZT2-AS1 (SZT2 antisense RNA 1; minus strand). Cytogenetic location: 1p34.2.
Variant type: single nucleotide variant.
Coding change: c.9952G>A on transcript NM_001365999.1 (MANE Select); coding-DNA position 9952, G replaced by A.
Protein change: p.Asp3318Asn; replaces aspartic acid 3318 with asparagine.
Molecular consequence: missense variant. On other transcripts: non-coding transcript variant (1).
Genome position (GRCh38, 1-based): chr1:43,448,467, G>A. VCF-style: chr1-43448467-G-A. GRCh37 (hg19) VCF-style: chr1-43914138-G-A.
Other names: c.9781G>A, p.Asp3261Asn (NM_015284.4); short protein forms D3318N, D3261N.
Identifiers: ClinVar variation 1370527 (VCV001370527.8), dbSNP rs1219122438, ClinGen allele CA340046126.

ClinVar aggregate classification (germline): Uncertain significance (1 of 4 stars; one submission).

Allele frequency attached by ClinVar (database versions not stated): gnomAD exomes below 0.00001; TOPMed below 0.00001.
gnomAD v4.1: 1 of 1,609,652 alleles (0.000062%); highest among the groups gnomAD compares: Non-Finnish European, 0.000085%; no homozygotes.

Submission:

Labcorp Genetics (formerly Invitae), Labcorp
Classification: Uncertain significance. Last evaluated: 2021-05-18. Review status: criteria provided, single submitter. Criteria: Invitae Variant Classification Sherloc (09022015). Collection method: clinical testing. Allele origin: germline.
Comment: This sequence change replaces aspartic acid with asparagine at codon 3261 of the SZT2 protein (p.Asp3261Asn). The aspartic acid residue is highly conserved and there is a small physicochemical difference between aspartic acid and asparagine. This variant is not present in population databases (ExAC no frequency). This variant has not been reported in the literature in individuals with SZT2-related conditions. Algorithms developed to predict the effect of missense changes on protein structure and function are either unavailable or do not agree on the potential impact of this missense change (SIFT: "Deleterious"; PolyPhen-2: "Probably Damaging"; Align-GVGD: "Class C0"). In summary, the available evidence is currently insufficient to determine the role of this variant in disease. Therefore, it has been classified as a Variant of Uncertain Significance.